The following is an entry in ClinVar:

ClinVar aggregate classification (germline): Uncertain significance (1 of 4 stars; one submission).

Conditions:
Leber congenital amaurosis 1 (LCA1). Also called: AMAUROSIS CONGENITA OF LEBER I; Leber's congenital tapetoretinal dysplasia; RETINAL BLINDNESS, CONGENITAL; Congenital absence of the rods and cones; Leber's congenital tapetoretinal degeneration. Identifiers: Orphanet 65, MedGen C2931258, MONDO:0008764, OMIM 204000.
Cone-rod dystrophy 6 (CORD6). Also called: Cone dystrophy progressive; RETINAL CONE DYSTROPHY 2. Identifiers: Orphanet 1872, MedGen C1866293, MONDO:0011143, OMIM 601777.

Allele frequency attached by ClinVar (database versions not stated): TOPMed below 0.00001; gnomAD 0.00001.
gnomAD v4.1: 11 of 1,485,228 alleles (0.00074%); highest among the groups gnomAD compares: Non-Finnish European, 0.00098%; no homozygotes.

Submission:

Labcorp Genetics (formerly Invitae), Labcorp
Classification: Uncertain significance for Leber congenital amaurosis 1; Cone-rod dystrophy 6. Last evaluated: 2024-03-07. Review status: criteria provided, single submitter. Criteria: Invitae Variant Classification Sherloc (09022015). Collection method: clinical testing. Allele origin: germline.
Comment: This sequence change replaces proline, which is neutral and non-polar, with threonine, which is neutral and polar, at codon 88 of the GUCY2D protein (p.Pro88Thr). The frequency data for this variant in the population databases is considered unreliable, as metrics indicate poor data quality at this position in the gnomAD database. This variant has not been reported in the literature in individuals affected with GUCY2D-related conditions. ClinVar contains an entry for this variant (Variation ID: 1014506). Advanced modeling of protein sequence and biophysical properties (such as structural, functional, and spatial information, amino acid conservation, physicochemical variation, residue mobility, and thermodynamic stability) performed at Invitae indicates that this missense variant is not expected to disrupt GUCY2D protein function with a negative predictive value of 80%. In summary, the available evidence is currently insufficient to determine the role of this variant in disease. Therefore, it has been classified as a Variant of Uncertain Significance.

NM_000180.4(GUCY2D):c.262C>A (p.Pro88Thr)

Gene: GUCY2D (guanylate cyclase 2D, retinal; plus strand). Cytogenetic location: 17p13.1.
Variant type: single nucleotide variant.
Coding change: c.262C>A on transcript NM_000180.4 (MANE Select); coding-DNA position 262, C replaced by A.
Protein change: p.Pro88Thr; replaces proline 88 with threonine.
Molecular consequence: missense variant.
Genome position (GRCh38, 1-based): chr17:8,003,309, C>A. VCF-style: chr17-8003309-C-A. GRCh37 (hg19) VCF-style: chr17-7906627-C-A.
Other names: short protein forms P88T.
Identifiers: ClinVar variation 1014506 (VCV001014506.8), dbSNP rs1300514080, ClinGen allele CA397943070.